The following is an entry in ClinVar:

ClinVar aggregate classification (germline): Pathogenic (1 of 4 stars; one submission).

Conditions:
Refsum disease, classic. Also called: HEREDOPATHIA ATACTICA POLYNEURITIFORMIS; HMSN IV; PHYTANIC ACID OXIDASE DEFICIENCY; PHYH-Related Refsum Disease. Identifiers: Orphanet 773, MedGen C5780941, MONDO:1060256, OMIM 266500. Disease mechanism: loss of function.

Submission:

Myriad Genetics, Inc.
Classification: Pathogenic for Refsum disease, classic. Last evaluated: 2024-05-14. Review status: criteria provided, single submitter. Criteria: Myriad Autosomal Dominant, Autosomal Recessive and X-Linked Classification Criteria (2023). Collection method: clinical testing. Allele origin: unknown.
Comment: NM_006214.3(PHYH):c.528_529ins13(D177Yfs*5) is expected to be pathogenic in the context of Refsum disease, PHYH-related. This variant is predicted to lead to an abnormal or absent protein product due to the creation of a premature termination codon in PHYH, a gene where loss-of-function variants are known to be pathogenic. Please note: this variant was assessed in the context of healthy population screening.

NM_006214.4(PHYH):c.528_529insTATAAGAGACAGT (p.Asp177delinsTyrLysArgGlnTer)

Gene: PHYH (phytanoyl-CoA 2-hydroxylase; minus strand). Cytogenetic location: 10p13.
Variant type: Insertion.
Coding change: c.528_529insTATAAGAGACAGT on transcript NM_006214.4 (MANE Select); coding-DNA positions 528 to 529, TATAAGAGACAGT inserted.
Protein change: p.Asp177delinsTyrLysArgGlnTer.
Molecular consequence: nonsense. On other transcripts: intron variant (1).
Genome position: GRCh38 VCF-style: chr10-13288509-C-CACTGTCTCTTATA. GRCh37 (hg19) VCF-style: chr10-13330509-C-CACTGTCTCTTATA.
Other names: c.415-4671_415-4670insTATAAGAGACAGT (NM_001323083.2); c.228_229insTATAAGAGACAGT, p.Asp77delinsTyrLysArgGlnTer (NM_001037537.2, NM_001323080.2); c.534_535insTATAAGAGACAGT, p.Asp179delinsTyrLysArgGlnTer (NM_001323082.2); c.234_235insTATAAGAGACAGT, p.Asp79delinsTyrLysArgGlnTer (NM_001323084.2).
Identifiers: ClinVar variation 5010516 (VCV005010516.1).
Genomic context (GRCh38, chr10:13,288,509, plus strand): 5'-CCATCGCCGTCCAGGCGCAAACGATGAGATCGCTGGGCCTGAAGGGGAAATAGTGCAGGT[C>CACTGTCTCTTATA]CTGGTGCAGGGGGTGACGGGACGTCTTCTTGCCTGAAAAGAAAACCTGCTACTAAAGGAT-3'